The following is an entry in ClinVar:

NM_152296.5(ATP1A3):c.1290C>G (p.Ile430Met)

Gene: ATP1A3 (ATPase Na+/K+ transporting subunit alpha 3; minus strand). Cytogenetic location: 19q13.2.
Variant type: single nucleotide variant.
Coding change: c.1290C>G on transcript NM_152296.5 (MANE Select); coding-DNA position 1290, C replaced by G.
Protein change: p.Ile430Met; replaces isoleucine 430 with methionine.
Molecular consequence: missense variant.
Genome position (GRCh38, 1-based): chr19:41,981,734, G>C on the plus strand (C>G on the coding strand, the complement: ATP1A3 is on the minus strand). VCF-style: chr19-41981734-G-C. GRCh37 (hg19) VCF-style: chr19-42485886-G-C.
Other names: c.1323C>G, p.Ile441Met (NM_001256213.2); c.1329C>G, p.Ile443Met (NM_001256214.2); short protein forms I443M, I430M, I441M.
Identifiers: ClinVar variation 2862953 (VCV002862953.3), dbSNP rs2514065596, ClinGen allele CA406050179.

ClinVar aggregate classification (germline): Uncertain significance (1 of 4 stars; one submission).

Conditions:
Dystonia 12 (DYT12). Also called: DYT-ATP1A3; Rapid-Onset Dystonia-Parkinsonism (RDP). Identifiers: Orphanet 71517, MedGen C1868681, MONDO:0007496, OMIM 128235.

Submission:

Labcorp Genetics (formerly Invitae), Labcorp
Classification: Uncertain significance for Dystonia 12. Last evaluated: 2024-01-02. Review status: criteria provided, single submitter. Criteria: Invitae Variant Classification Sherloc (09022015). Collection method: clinical testing. Allele origin: germline.
Comment: This sequence change replaces isoleucine, which is neutral and non-polar, with methionine, which is neutral and non-polar, at codon 430 of the ATP1A3 protein (p.Ile430Met). This variant is not present in population databases (gnomAD no frequency). This variant has not been reported in the literature in individuals affected with ATP1A3-related conditions. Advanced modeling of protein sequence and biophysical properties (such as structural, functional, and spatial information, amino acid conservation, physicochemical variation, residue mobility, and thermodynamic stability) has been performed at Invitae for this missense variant, however the output from this modeling did not meet the statistical confidence thresholds required to predict the impact of this variant on ATP1A3 protein function. In summary, the available evidence is currently insufficient to determine the role of this variant in disease. Therefore, it has been classified as a Variant of Uncertain Significance.